The following is an entry in ClinVar:

NM_000152.5(GAA):c.1194+2T>C

Gene: GAA (alpha glucosidase; plus strand). Cytogenetic location: 17q25.3.
Variant type: single nucleotide variant.
Coding change: c.1194+2T>C on transcript NM_000152.5 (MANE Select); the canonical splice donor site of the intron after coding-DNA position 1194, T replaced by C.
Molecular consequence: splice donor variant.
Genome position (GRCh38, 1-based): chr17:80,108,609, T>C. VCF-style: chr17-80108609-T-C. GRCh37 (hg19) VCF-style: chr17-78082408-T-C.
Other names: c.1194+2T>C (NM_001406741.1, NM_001406742.1, NM_001079803.3 and 1 more transcripts).
Identifiers: ClinVar variation 370077 (VCV000370077.4), dbSNP rs1057516215, ClinGen allele CA16041892.
Genomic context (GRCh38, chr17:80,108,609, plus strand): 5'-CCTCCACCGCTATCACCCGCCAGGTGGTGGAGAACATGACCAGGGCCCACTTCCCCCTGG[T>C]GAGTTGGGGTGGTGGCAGGGGAGGCAAGGGGCTGGCCGGGACGCGTCTCCTCAGGCCCCA-3'

ClinVar aggregate classification (germline): Pathogenic. Review status: criteria provided, single submitter (1 of 4 stars). 2 submissions from 2 submitters: Pathogenic (1). 1 of the submissions does not count toward it. Last evaluated 2026-07-01.

Conditions:
Glycogen storage disease, type II (IOPD). Also called: GLYCOGENOSIS, GENERALIZED, CARDIAC FORM; GSD II; POMPE DISEASE, INFANTILE-ONSET; GLYCOGEN STORAGE DISEASE II, INFANTILE-ONSET; ACID ALPHA-GLUCOSIDASE DEFICIENCY, INFANTILE-ONSET; GAA DEFICIENCY, INFANTILE-ONSET. Identifiers: Orphanet 365, MedGen C0017921, MONDO:0009290, OMIM 232300.

Submissions (2):

Genomenon, Inc
Classification: Pathogenic for Glycogen storage disease, type II. Last evaluated: 2026-07-01. Review status: criteria provided, single submitter. Criteria: Genomenon Sequence Variant Interpretation Standards - Updated. Collection method: curation. Allele origin: germline. Affected: yes.
Comment: GAA c.1194+2T>C is a canonical splice variant affecting the donor splice site of intron 7. It is predicted to affect mRNA splicing, leading to a deleterious effect on the GAA protein. This variant has been observed in at least one proband with a GAA-related disorder (PMID:36137614;34353347;31953985;31193175;22658377). At least one splicing study has demonstrated that this variant results in aberrant splicing (PMID:18458862). It is absent or not present at a significant frequency in gnomAD. In conclusion, we classify GAA c.1194+2T>C as a pathogenic variant.

Counsyl
Classification: Likely pathogenic for Glycogen storage disease, type II. Last evaluated: 2016-02-19. Review status: no assertion criteria provided. Collection method: clinical testing. Allele origin: unknown. Not counted in ClinVar's aggregate classification.

Literature cited by the submitters: PubMed 36137614 (cited by Genomenon, Inc); PubMed 34353347 (cited by Genomenon, Inc); PubMed 31953985 (cited by Genomenon, Inc); PubMed 31193175 (cited by Genomenon, Inc); PubMed 22658377 (cited by Genomenon, Inc); PubMed 18458862 (cited by Genomenon, Inc and Counsyl).